The following is an entry in ClinVar:

ClinVar aggregate classification (germline): Uncertain significance. Review status: criteria provided, multiple submitters, no conflicts (2 of 4 stars). 2 submissions from 2 submitters: Uncertain significance (2). Last evaluated 2024-10-09.

Conditions:
Inborn genetic diseases. Identifiers: MedGen C0950123, MeSH D030342.
Neonatal-onset encephalopathy with rigidity and seizures. Also called: Lethal neonatal spasticity-epileptic encephalopathy syndrome. Identifiers: Orphanet 435845, MedGen C3281029, MONDO:0013784, OMIM 614498.

Allele frequency attached by ClinVar (database versions not stated): gnomAD exomes below 0.00001 and 0.00003; TOPMed 0.00002; gnomAD 0.00001.
gnomAD v4.1: 46 of 1,611,860 alleles (0.0029%); highest among the groups gnomAD compares: Non-Finnish European, 0.0037%; no homozygotes.

Submissions (2):

Ambry Genetics
Classification: Uncertain significance for Inborn genetic diseases. Last evaluated: 2024-10-09. Review status: criteria provided, single submitter. Criteria: Ambry Variant Classification Scheme 2023. Collection method: clinical testing. Allele origin: germline.

Labcorp Genetics (formerly Invitae), Labcorp
Classification: Uncertain significance for Neonatal-onset encephalopathy with rigidity and seizures. Last evaluated: 2022-08-05. Review status: criteria provided, single submitter. Criteria: Invitae Variant Classification Sherloc (09022015). Collection method: clinical testing. Allele origin: germline.
Comment: In summary, the available evidence is currently insufficient to determine the role of this variant in disease. Therefore, it has been classified as a Variant of Uncertain Significance. Algorithms developed to predict the effect of missense changes on protein structure and function (SIFT, PolyPhen-2, Align-GVGD) all suggest that this variant is likely to be tolerated. This sequence change replaces isoleucine, which is neutral and non-polar, with phenylalanine, which is neutral and non-polar, at codon 494 of the BRAT1 protein (p.Ile494Phe). This variant is present in population databases (rs539902160, gnomAD 0.0009%). This variant has not been reported in the literature in individuals affected with BRAT1-related conditions. ClinVar contains an entry for this variant (Variation ID: 472944).

NM_152743.4(BRAT1):c.1480A>T (p.Ile494Phe)

Gene: BRAT1 (BRCA1 associated ATM activator 1; minus strand). Cytogenetic location: 7p22.3.
Variant type: single nucleotide variant.
Coding change: c.1480A>T on transcript NM_152743.4 (MANE Select); coding-DNA position 1480, A replaced by T.
Protein change: p.Ile494Phe; replaces isoleucine 494 with phenylalanine.
Molecular consequence: missense variant. On other transcripts: non-coding transcript variant (1).
Genome position (GRCh38, 1-based): chr7:2,539,804, T>A on the plus strand (A>T on the coding strand, the complement: BRAT1 is on the minus strand). VCF-style: chr7-2539804-T-A. GRCh37 (hg19) VCF-style: chr7-2579438-T-A.
Other names: c.1480A>T, p.Ile494Phe (NM_001350626.2); c.955A>T, p.Ile319Phe (NM_001350627.2); short protein forms I494F, I319F.
Identifiers: ClinVar variation 472944 (VCV000472944.6), dbSNP rs539902160, ClinGen allele CA152666214.